The following is an entry in ClinVar:

NM_000091.5(COL4A3):c.3683G>T (p.Gly1228Val)

Genes: COL4A3 (collagen type IV alpha 3 chain; plus strand), MFF-DT (MFF divergent transcript; minus strand). Cytogenetic location: 2q36.3.
Variant type: single nucleotide variant.
Coding change: c.3683G>T on transcript NM_000091.5 (MANE Select); coding-DNA position 3683, G replaced by T.
Protein change: p.Gly1228Val; replaces glycine 1228 with valine.
Molecular consequence: missense variant.
Genome position (GRCh38, 1-based): chr2:227,297,791, G>T. VCF-style: chr2-227297791-G-T. GRCh37 (hg19) VCF-style: chr2-228162507-G-T.
Other names: short protein forms G1228V.
Identifiers: ClinVar variation 1179129 (VCV001179129.9), dbSNP rs1183958961, ClinGen allele CA350860285.
Genomic context (GRCh38, chr2:227,297,791, plus strand): 5'-CCATGGGAGATGCTGGACCTCGAGGACCCACAGGCATAGAAGGATTCCCAGGGCCACCAG[G>T]TCTGCCCGGTGCAATTATCCCTGGCCAGACAGGAAATCGTGGTCCACCAGGCTCAAGAGG-3'
Protein context (NP_000082.2, residues 1218-1238): TGIEGFPGPP[Gly1228Val]LPGAIIPGQT

ClinVar aggregate classification (germline): Likely pathogenic. Review status: criteria provided, multiple submitters, no conflicts (2 of 4 stars). 3 submissions from 3 submitters: Likely pathogenic (3). Last evaluated 2024-02-24.

Conditions:
Autosomal dominant Alport syndrome (ATS3A). Also called: Alport syndrome dominant type; Renal failure and sensorineural hearing loss; ALPORT SYNDROME 3A, AUTOSOMAL DOMINANT. Identifiers: Orphanet 63, Orphanet 88918, MedGen C5882663, MONDO:0007086, OMIM 104200.
Autosomal recessive Alport syndrome (ATS2). Also called: COL4A4 Alport Syndrome and Thin Basement Membrane Nephropathy; ALPORT SYNDROME 2, AUTOSOMAL RECESSIVE; Alport syndrome type 2; COL4A3-Related Nephropathy. Identifiers: Orphanet 63, Orphanet 88919, MedGen C4746745, MONDO:0008762, OMIM 203780.
Benign familial hematuria. Also called: thin basement membrane disease. Identifiers: MedGen C0241908, MONDO:0957317.
Inborn genetic diseases. Identifiers: MedGen C0950123, MeSH D030342.

Allele frequency attached by ClinVar (database versions not stated): gnomAD exomes 0.00001.
gnomAD v4.1: 1 of 1,577,534 alleles (0.000063%); highest among the groups gnomAD compares: East Asian, 0.0023%; no homozygotes.

Submissions (3):

Labcorp Genetics (formerly Invitae), Labcorp
Classification: Likely pathogenic. Last evaluated: 2024-02-24. Review status: criteria provided, single submitter. Criteria: Invitae Variant Classification Sherloc (09022015). Collection method: clinical testing. Allele origin: germline.
Comment: This sequence change replaces glycine, which is neutral and non-polar, with valine, which is neutral and non-polar, at codon 1228 of the COL4A3 protein (p.Gly1228Val). This variant is present in population databases (no rsID available, gnomAD 0.007%). This missense change has been observed in individual(s) with clinical features of autosomal dominant COL4A3-related conditions (Invitae). It has also been observed to segregate with disease in related individuals. ClinVar contains an entry for this variant (Variation ID: 1179129). Advanced modeling of protein sequence and biophysical properties (such as structural, functional, and spatial information, amino acid conservation, physicochemical variation, residue mobility, and thermodynamic stability) performed at Invitae indicates that this missense variant is expected to disrupt COL4A3 protein function with a positive predictive value of 95%. In summary, the currently available evidence indicates that the variant is pathogenic, but additional data are needed to prove that conclusively. Therefore, this variant has been classified as Likely Pathogenic.

Ambry Genetics
Classification: Likely pathogenic for Inborn genetic diseases. Last evaluated: 2023-08-16. Review status: criteria provided, single submitter. Criteria: Ambry Variant Classification Scheme 2023. Collection method: clinical testing. Allele origin: germline.
Comment: The c.3683G>T (p.G1228V) alteration is located in exon 42 (coding exon 42) of the COL4A3 gene. This alteration results from a G to T substitution at nucleotide position 3683, causing the glycine (G) at amino acid position 1228 to be replaced by a valine (V). Based on data from gnomAD, the T allele has an overall frequency of 0.001% (1/186352) total alleles studied. The highest observed frequency was 0.007% (1/13976) of East Asian alleles. This amino acid position is highly conserved in available vertebrate species. The p.G1228 amino acid is located within the triple-helical domain of the collagen alpha-3(IV) chain, and this alteration affects one of the highly conserved glycine residues in the Gly-X-Y motif that make up this domain (Ramshaw, 1998). This alteration is predicted to be deleterious by in silico analysis. Based on the available evidence, this alteration is classified as likely pathogenic.

Fulgent Genetics
Classification: Likely pathogenic for Autosomal dominant Alport syndrome; Hematuria, benign familial, 1; Autosomal recessive Alport syndrome. Last evaluated: 2021-06-30. Review status: criteria provided, single submitter. Criteria: ACMG Guidelines, 2015. Collection method: clinical testing. Allele origin: unknown.
Comment: This variant has been detected in individual(s) who were sent for testing of Renasight - kidney gene panel.

Literature cited by the submitters: PubMed 9724608 (cited by Ambry Genetics).